The following is an entry in ClinVar:

NM_000036.3(AMPD1):c.35-7_35-4del

Gene: AMPD1 (adenosine monophosphate deaminase 1; minus strand). Cytogenetic location: 1p13.2.
Variant type: Deletion.
Coding change: c.35-7_35-4del on transcript NM_000036.3 (MANE Select); 7 bases into the intron before coding-DNA position 35 through 4 bases into the intron before coding-DNA position 35, 4 bases deleted (CTTT; older notation c.35-7_35-4delCTTT).
Molecular consequence: intron variant.
Genome position (GRCh38, 1-based): chr1:114,688,745-114,688,748, AAAG deleted on the plus strand (CTTT on the coding strand, the reverse complement: AMPD1 is on the minus strand); deleting any 4 consecutive bases within chr1:114,688,745-114,688,749 gives the same sequence; the c. name uses the placement nearest the transcript's 3' end. VCF-style (leftmost placement, unchanged base first): chr1-114688744-AAAAG-A. GRCh37 (hg19) VCF-style: chr1-115231365-AAAAG-A.
Other names: c.23-7_23-4del (NM_001172626.2); c.35-7_35-4delCTTT (NM_000036.3); c.134-7_134-4delCTTT (NM_000036.2).
Identifiers: ClinVar variation 92332 (VCV000092332.15), dbSNP rs398123114, ClinGen allele CA145619.

ClinVar aggregate classification (germline): Conflicting classifications of pathogenicity. Review status: criteria provided, conflicting classifications (1 of 4 stars). 3 submissions from 3 submitters: Pathogenic (1); Uncertain significance (1); Likely benign (1). Last evaluated 2026-01-26.

Conditions:
Muscle AMP deaminase deficiency (MMDD). Also called: Myoadenylate deaminase deficiency, myopathy due to; Adenosine monophosphate deaminase 1 deficiency; AMP deaminase 1 deficiency; Adenosine Monophosphate Deaminase 1; ADENOSINE MONOPHOSPHATE DEAMINASE-1 DEFICIENCY, MYOPATHY DUE TO; AMPD1 DEFICIENCY. Identifiers: Orphanet 45, MedGen C3714933, MONDO:0014220, OMIM 615511.

Submissions (3):

Labcorp Genetics (formerly Invitae), Labcorp
Classification: Likely benign for Muscle AMP deaminase deficiency. Last evaluated: 2026-01-26. Review status: criteria provided, single submitter. Criteria: Invitae Variant Classification Sherloc (09022015). Collection method: clinical testing. Allele origin: germline.

Women's Health and Genetics/Laboratory Corporation of America, LabCorp
Classification: Uncertain significance. Last evaluated: 2024-09-04. Review status: criteria provided, single submitter. Criteria: LabCorp Variant Classification Summary - May 2015. Collection method: clinical testing. Allele origin: germline.
Comment: Variant summary: AMPD1 c.35-7_35-4delCTTT alters conserved nucleotides located close to a canonical splice site and therefore could affect mRNA splicing, leading to a significantly altered protein sequence. Consensus agreement among computation tools predict no significant impact on normal splicing. However, these predictions have yet to be confirmed by functional studies. The variant allele was found at a frequency of 0.00054 in 251474 control chromosomes. This frequency is not significantly higher than estimated for a pathogenic variant in AMPD1 causing Muscle AMP Deaminase Deficiency, allowing no conclusion about variant significance. c.35-7_35-4delCTTT has been reported in the literature in two siblings affected with Myoadenylate deaminase deficiency by only screening AMPD1 gene (Isackson_2005). These report(s) do not provide unequivocal conclusions about association of the variant with Muscle AMP Deaminase Deficiency. To our knowledge, no experimental evidence demonstrating an impact on protein function has been reported. The following publication has been ascertained in the context of this evaluation (PMID: 16040263). ClinVar contains an entry for this variant (Variation ID: 92332). Based on the evidence outlined above, the variant was classified as uncertain significance.

Eurofins Ntd Llc (ga)
Classification: Pathogenic. Last evaluated: 2013-03-11. Review status: criteria provided, single submitter. Criteria: EGL Classification Definitions 2015. Collection method: clinical testing. Allele origin: germline. Observed: 1 variant allele, 1 heterozygote.

Literature cited by the submitters: PubMed 16040263 (cited by Women's Health and Genetics/Laboratory Corporation of America, LabCorp).